The following is an entry in ClinVar:

ClinVar aggregate classification (germline): Uncertain significance. Review status: criteria provided, single submitter (1 of 4 stars). 2 submissions from 2 submitters: Uncertain significance (1). 1 of the submissions does not count toward it. Last evaluated 2020-02-07.

Conditions:
Spastic paraplegia. Identifiers: MedGen C0037772, HP:0001258.
Hereditary spastic paraplegia. Also called: Familial spastic paraparesis. Identifiers: Orphanet 685, MedGen C0037773, MONDO:0019064. Disease mechanism: loss of function.

Submissions (2):

Labcorp Genetics (formerly Invitae), Labcorp
Classification: Uncertain significance for Spastic paraplegia. Last evaluated: 2020-02-07. Review status: criteria provided, single submitter. Criteria: Invitae Variant Classification Sherloc (09022015). Collection method: clinical testing. Allele origin: germline.
Comment: This variant has not been reported in the literature in individuals with KIF5A-related conditions. This variant is not present in population databases (ExAC no frequency). This sequence change replaces asparagine with lysine at codon 199 of the KIF5A protein (p.Asn199Lys). The asparagine residue is highly conserved and there is a moderate physicochemical difference between asparagine and lysine. Algorithms developed to predict the effect of missense changes on protein structure and function are either unavailable or do not agree on the potential impact of this missense change (SIFT: "Deleterious"; PolyPhen-2: "Benign"; Align-GVGD: "Class C15"). In summary, the available evidence is currently insufficient to determine the role of this variant in disease. Therefore, it has been classified as a Variant of Uncertain Significance.

Genetic Medicine Clinic, University Of Washington Medical Center
No classification provided. Condition: Hereditary spastic paraplegia. Review status: no classification provided. Collection method: phenotyping only. Allele origin: unknown. Inheritance: Autosomal dominant inheritance. Affected: yes. Observed: 1 heterozygote. Not counted in ClinVar's aggregate classification.

NM_004984.4(KIF5A):c.597T>G (p.Asn199Lys)

Gene: KIF5A (kinesin family member 5A; plus strand). Cytogenetic location: 12q13.3.
Variant type: single nucleotide variant.
Coding change: c.597T>G on transcript NM_004984.4 (MANE Select); coding-DNA position 597, T replaced by G.
Protein change: p.Asn199Lys; replaces asparagine 199 with lysine.
Molecular consequence: missense variant.
Genome position (GRCh38, 1-based): chr12:57,567,501, T>G. VCF-style: chr12-57567501-T-G. GRCh37 (hg19) VCF-style: chr12-57961284-T-G.
Other names: c.597T>G (NM_004984.2); c.330T>G, p.Asn110Lys (NM_001354705.2); short protein forms N110K, N199K.
Identifiers: ClinVar variation 1017470 (VCV001017470.12), dbSNP rs11172251, ClinGen allele CA385498982.
Genomic context (GRCh38, chr12:57,567,501, plus strand): 5'-GGACCTCAGTTCTGCAGGGTGGTGCAGGTCCTGTTTCTCCCTTGCTCCTGCAGACATGAA[T>G]GAACACAGCTCTCGGAGCCACAGCATCTTCCTCATCAACATCAAGCAGGAGAACATGGAA-3'
Protein context (NP_004975.2, residues 189-209): SNRHVAVTNM[Asn199Lys]EHSSRSHSIF